The following is an entry in ClinVar:

ClinVar aggregate classification (germline): Uncertain significance. Review status: criteria provided, multiple submitters, no conflicts (2 of 4 stars). 2 submissions from 2 submitters: Uncertain significance (2). Last evaluated 2025-12-01.

Conditions:
Inborn genetic diseases. Identifiers: MedGen C0950123, MeSH D030342.

Submissions (2):

CeGaT Center for Human Genetics Tuebingen
Classification: Uncertain significance. Last evaluated: 2025-12-01. Review status: criteria provided, single submitter. Criteria: CeGaT Center For Human Genetics Tuebingen Variant Classification Criteria Version 2. Collection method: clinical testing. Allele origin: germline. Affected: yes. Observed: 1 variant allele.
Comment: ARFGEF1: PM2, PP2, PP3

Ambry Genetics
Classification: Uncertain significance for Inborn genetic diseases. Last evaluated: 2024-09-19. Review status: criteria provided, single submitter. Criteria: Ambry Variant Classification Scheme 2023. Collection method: clinical testing. Allele origin: germline.
Comment: The c.2344C>T (p.R782C) alteration is located in exon 16 (coding exon 16) of the ARFGEF1 gene. This alteration results from a C to T substitution at nucleotide position 2344, causing the arginine (R) at amino acid position 782 to be replaced by a cysteine (C). This variant was not reported in population-based cohorts in the Genome Aggregation Database (gnomAD). This amino acid position is highly conserved in available vertebrate species. This missense alteration is located in a region that has a low rate of benign missense variation (Lek, 2016; Firth, 2009). This alteration is predicted to be deleterious by in silico analysis. Based on insufficient or conflicting evidence, the clinical significance of this alteration remains unclear.

NM_006421.5(ARFGEF1):c.2344C>T (p.Arg782Cys)

Gene: ARFGEF1 (ARF guanine nucleotide exchange factor 1; minus strand). Cytogenetic location: 8q13.2.
Variant type: single nucleotide variant.
Coding change: c.2344C>T on transcript NM_006421.5 (MANE Select); coding-DNA position 2344, C replaced by T.
Protein change: p.Arg782Cys; replaces arginine 782 with cysteine.
Molecular consequence: missense variant. On other transcripts: non-coding transcript variant (1).
Genome position (GRCh38, 1-based): chr8:67,258,182, G>A on the plus strand (C>T on the coding strand, the complement: ARFGEF1 is on the minus strand). VCF-style: chr8-67258182-G-A. GRCh37 (hg19) VCF-style: chr8-68170417-G-A.
Other names: c.2344C>T, p.Arg782Cys (NM_001413192.1, NM_001413194.1, NM_001413195.1 and 7 more transcripts); c.1744C>T, p.Arg582Cys (NM_001413193.1, NM_001413197.1, NM_001413188.1); c.919C>T, p.Arg307Cys (NM_001413196.1); short protein forms R582C, R307C, R782C.
Identifiers: ClinVar variation 3420535 (VCV003420535.7).